The following is an entry in ClinVar:

NM_000090.4(COL3A1):c.4118A>G (p.Lys1373Arg)

Gene: COL3A1 (collagen type III alpha 1 chain; plus strand). Cytogenetic location: 2q32.2.
Variant type: single nucleotide variant.
Coding change: c.4118A>G on transcript NM_000090.4 (MANE Select); coding-DNA position 4118, A replaced by G.
Protein change: p.Lys1373Arg; replaces lysine 1373 with arginine.
Molecular consequence: missense variant.
Genome position (GRCh38, 1-based): chr2:189,010,754, A>G. VCF-style: chr2-189010754-A-G. GRCh37 (hg19) VCF-style: chr2-189875480-A-G.
Other names: short protein forms K1373R.
Identifiers: ClinVar variation 920466 (VCV000920466.16), dbSNP rs775951025, ClinGen allele CA076460.

ClinVar aggregate classification (germline): Uncertain significance. Review status: criteria provided, multiple submitters, no conflicts (2 of 4 stars). 6 submissions from 6 submitters: Uncertain significance (5). 1 of the submissions does not count toward it. Last evaluated 2026-06-04.

Conditions:
Familial thoracic aortic aneurysm and aortic dissection (TAAD). Also called: Thoracic aortic aneurysms and dissections. Identifiers: Orphanet 91387, MedGen C4707243, MONDO:0019625.
Ehlers-Danlos syndrome, type 4 (EDSVASC). Also called: Ehlers-Danlos Syndrome Type IV; Ehlers-Danlos syndrome vascular type; Ehlers Danlos syndrome, ecchymotic type; Ehlers Danlos syndrome, arterial type; Ehlers Danlos syndrome, Sack-Barabas type. Identifiers: Orphanet 286, MedGen C0268338, MONDO:0017314, OMIM 130050.
COL3A1-related disorder. Also called: COL3A1-related condition.

Allele frequency attached by ClinVar (database versions not stated): gnomAD exomes below 0.00001 and 0.00001; TOPMed below 0.00001; ExAC 0.00001.
gnomAD v4.1: 5 of 1,614,168 alleles (0.00031%); highest among the groups gnomAD compares: Admixed American, 0.005%; no homozygotes.

Submissions (6):

Ambry Genetics
Classification: Uncertain significance for Familial thoracic aortic aneurysm and aortic dissection. Last evaluated: 2026-06-04. Review status: criteria provided, single submitter. Criteria: Ambry Variant Classification Scheme 2023. Collection method: clinical testing. Allele origin: germline.
Comment: The c.4118A>G (p.K1373R) alteration is located in exon 50 (coding exon 50) of the COL3A1 gene. This alteration results from a A to G substitution at nucleotide position 4118, causing the lysine (K) at amino acid position 1373 to be replaced by an arginine (R). Based on data from gnomAD, the G allele has an overall frequency of 0.001% (2/251216) total alleles studied. The highest observed frequency was 0.006% (2/34572) of Latino alleles. Based on insufficient or conflicting evidence, the clinical significance of this alteration remains unclear.

Labcorp Genetics (formerly Invitae), Labcorp
Classification: Uncertain significance for Ehlers-Danlos syndrome, type 4. Last evaluated: 2026-01-27. Review status: criteria provided, single submitter. Criteria: Invitae Variant Classification Sherloc (09022015). Collection method: clinical testing. Allele origin: germline.
Comment: This sequence change replaces lysine, which is basic and polar, with arginine, which is basic and polar, at codon 1373 of the COL3A1 protein (p.Lys1373Arg). This variant is present in population databases (rs775951025, gnomAD 0.003%). This variant has not been reported in the literature in individuals affected with COL3A1-related conditions. ClinVar contains an entry for this variant (Variation ID: 920466). Invitae Evidence Modeling of protein sequence and biophysical properties (such as structural, functional, and spatial information, amino acid conservation, physicochemical variation, residue mobility, and thermodynamic stability) indicates that this missense variant is not expected to disrupt COL3A1 protein function with a negative predictive value of 95%. In summary, the available evidence is currently insufficient to determine the role of this variant in disease. Therefore, it has been classified as a Variant of Uncertain Significance.

Color Diagnostics, LLC DBA Color Health
Classification: Uncertain significance for Familial thoracic aortic aneurysm and aortic dissection. Last evaluated: 2024-03-06. Review status: criteria provided, single submitter. Criteria: ACMG Guidelines, 2015. Collection method: clinical testing. Allele origin: germline.
Comment: This missense variant replaces lysine with arginine at codon 1373 of the COL3A1 protein. Computational prediction suggests that this variant may not impact protein structure and function (internally defined REVEL score threshold <= 0.5, PMID: 27666373). To our knowledge, functional studies have not been reported for this variant. This variant has not been reported in individuals affected with COL3A1-related disorders in the literature. This variant has been identified in 2/251216 chromosomes in the general population by the Genome Aggregation Database (gnomAD). The available evidence is insufficient to determine the role of this variant in disease conclusively. Therefore, this variant is classified as a Variant of Uncertain Significance.

All of Us Research Program, National Institutes of Health
Classification: Uncertain significance for Ehlers-Danlos syndrome, type 4. Last evaluated: 2023-11-30. Review status: criteria provided, single submitter. Criteria: ACMG Guidelines, 2015. Collection method: clinical testing. Allele origin: germline. Inheritance: Autosomal dominant inheritance. Observed: 2 variant alleles, 2 heterozygotes.
Comment: This missense variant replaces lysine with arginine at codon 1373 of the COL3A1 protein. Computational prediction tools and conservation analyses are inconclusive regarding the impact of this variant on protein structure and function. Splice site prediction tools suggest that this variant may not impact RNA splicing. To our knowledge, functional studies have not been performed for this variant. This variant has not been reported in individuals affected with cardiovascular disorders in the literature. This variant has been identified in 2/251216 chromosomes in the general population by the Genome Aggregation Database (gnomAD). The available evidence is insufficient to determine the role of this variant in disease conclusively. Therefore, this variant is classified as a Variant of Uncertain Significance.

This study involves interpretation of variants in research participants for the purpose of population health screening. Participant phenotype was not available at the time of variant classification. Additional details can be found in publication PMID: 35346344, PMCID: PMC8962531

GeneDx
Classification: Uncertain significance. Last evaluated: 2019-12-26. Review status: criteria provided, single submitter. Criteria: GeneDx Variant Classification Process June 2021. Collection method: clinical testing. Allele origin: germline. Affected: yes.
Comment: Not observed at a significant frequency in large population cohorts (Lek et al., 2016); In silico analysis, which includes protein predictors and evolutionary conservation, supports a deleterious effect; Has not been previously published as pathogenic or benign to our knowledge

PreventionGenetics, part of Exact Sciences
Classification: Uncertain significance for COL3A1-related condition. Last evaluated: 2024-03-26. Review status: no assertion criteria provided. Collection method: clinical testing. Allele origin: germline. Not counted in ClinVar's aggregate classification.
Comment: The COL3A1 c.4118A>G variant is predicted to result in the amino acid substitution p.Lys1373Arg. To our knowledge, this variant has not been reported in the literature. This variant is reported in 0.0058% of alleles in individuals of Latino descent in gnomAD. At this time, the clinical significance of this variant is uncertain due to the absence of conclusive functional and genetic evidence.